The following is an entry in ClinVar:

NM_002968.3(SALL1):c.3409A>G (p.Asn1137Asp)

Gene: SALL1 (spalt like transcription factor 1; minus strand). Cytogenetic location: 16q12.1.
Variant type: single nucleotide variant.
Coding change: c.3409A>G on transcript NM_002968.3 (MANE Select); coding-DNA position 3409, A replaced by G.
Protein change: p.Asn1137Asp; replaces asparagine 1137 with aspartic acid.
Molecular consequence: missense variant.
Genome position (GRCh38, 1-based): chr16:51,138,813, T>C on the plus strand (A>G on the coding strand, the complement: SALL1 is on the minus strand). VCF-style: chr16-51138813-T-C. GRCh37 (hg19) VCF-style: chr16-51172724-T-C.
Other names: c.3118A>G, p.Asn1040Asp (NM_001127892.2); short protein forms N1040D, N1137D.
Identifiers: ClinVar variation 1407873 (VCV001407873.7), dbSNP rs1352323090, ClinGen allele CA395880268.

ClinVar aggregate classification (germline): Uncertain significance. Review status: criteria provided, multiple submitters, no conflicts (2 of 4 stars). 2 submissions from 2 submitters: Uncertain significance (2). Last evaluated 2023-07-16.

Conditions:
Townes syndrome (TBS). Also called: Townes-Brocks syndrome. Identifiers: Orphanet 857, MedGen C0265246, MeSH C536974, MONDO:0007142.

Allele frequency attached by ClinVar (database versions not stated): gnomAD 0.00001; TOPMed 0.00001; gnomAD exomes 0.00003.
gnomAD v4.1: 50 of 1,614,110 alleles (0.0031%); highest among the groups gnomAD compares: Non-Finnish European, 0.0042%; no homozygotes.

Submissions (2):

Labcorp Genetics (formerly Invitae), Labcorp
Classification: Uncertain significance for Townes syndrome. Last evaluated: 2023-07-16. Review status: criteria provided, single submitter. Criteria: Invitae Variant Classification Sherloc (09022015). Collection method: clinical testing. Allele origin: germline.
Comment: In summary, the available evidence is currently insufficient to determine the role of this variant in disease. Therefore, it has been classified as a Variant of Uncertain Significance. An algorithm developed to predict the effect of missense changes on protein structure and function (PolyPhen-2) suggests that this variant is likely to be tolerated. ClinVar contains an entry for this variant (Variation ID: 1407873). This variant has not been reported in the literature in individuals affected with SALL1-related conditions. This variant is not present in population databases (gnomAD no frequency). This sequence change replaces asparagine, which is neutral and polar, with aspartic acid, which is acidic and polar, at codon 1137 of the SALL1 protein (p.Asn1137Asp).

Blueprint Genetics
Classification: Uncertain significance. Last evaluated: 2020-01-15. Review status: criteria provided, single submitter. Criteria: ACMG Guidelines, 2015. Collection method: clinical testing. Allele origin: germline.